The following is an entry in ClinVar:

NM_021096.4(CACNA1I):c.2377G>A (p.Asp793Asn)

Gene: CACNA1I (calcium voltage-gated channel subunit alpha1 I; plus strand). Cytogenetic location: 22q13.1.
Variant type: single nucleotide variant.
Coding change: c.2377G>A on transcript NM_021096.4 (MANE Select); coding-DNA position 2377, G replaced by A.
Protein change: p.Asp793Asn; replaces aspartic acid 793 with asparagine.
Molecular consequence: missense variant.
Genome position (GRCh38, 1-based): chr22:39,659,479, G>A. VCF-style: chr22-39659479-G-A. GRCh37 (hg19) VCF-style: chr22-40055484-G-A.
Other names: c.2272G>A, p.Asp758Asn (NM_001003406.2); short protein forms D758N, D793N.
Identifiers: ClinVar variation 4293650 (VCV004293650.1).

ClinVar aggregate classification (germline): Uncertain significance (1 of 4 stars; one submission).

Conditions:
Neurodevelopmental disorder with speech impairment and with or without seizures. Also called: Neurodevelopmental disorder with variable intellectual disability and speech impairment, with or without seizures. Identifiers: MedGen C5774252, MONDO:0859313, OMIM 620114.

Submission:

3billion
Classification: Uncertain significance for Neurodevelopmental disorder with speech impairment and with or without seizures. Last evaluated: 2024-07-24. Review status: criteria provided, single submitter. Criteria: ACMG Guidelines, 2015. Collection method: clinical testing. Allele origin: germline. Affected: yes.
Comment: The variant is not observed in the gnomAD v4.0.0 dataset. Predicted Consequence/Location: Missense changes are a common disease-causing mechanism. In silico tool predictions suggest damaging effect of the variant on gene or gene product [REVEL: 0.72 (>=0.6, sensitivity 0.68 and specificity 0.92); 3Cnet: 0.00 (>=0.6, sensitivity 0.72 and precision 0.9)]. Therefore, this variant is classified as VUS according to the recommendation of ACMG/AMP guideline.